The following is an entry in ClinVar:

NM_003816.3(ADAM9):c.1697+10_1697+11dup

Gene: ADAM9 (ADAM metallopeptidase domain 9; plus strand). Cytogenetic location: 8p11.22.
Variant type: Duplication.
Coding change: c.1697+10_1697+11dup on transcript NM_003816.3 (MANE Select); bases 10 to 11 of the intron after coding-DNA position 1697, 2 bases duplicated (GG; older notation c.1697+10_1697+11dupGG).
Molecular consequence: intron variant.
Genome position (GRCh38, 1-based): chr8:39,071,413-39,071,414, GG duplicated. VCF-style (leftmost placement, unchanged base first): chr8-39071412-A-AGG. GRCh37 (hg19) VCF-style: chr8-38928931-A-AGG.
Identifiers: ClinVar variation 1393824 (VCV001393824.9), dbSNP rs2129441364, ClinGen allele CA2573143144.

ClinVar aggregate classification (germline): Uncertain significance (1 of 4 stars; one submission).

Submission:

Labcorp Genetics (formerly Invitae), Labcorp
Classification: Uncertain significance. Last evaluated: 2022-01-06. Review status: criteria provided, single submitter. Criteria: Invitae Variant Classification Sherloc (09022015). Collection method: clinical testing. Allele origin: germline.
Comment: In summary, the available evidence is currently insufficient to determine the role of this variant in disease. Therefore, it has been classified as a Variant of Uncertain Significance. Algorithms developed to predict the effect of sequence changes on RNA splicing suggest that this variant may create or strengthen a splice site. This variant has not been reported in the literature in individuals affected with ADAM9-related conditions. This variant is not present in population databases (gnomAD no frequency). This sequence change falls in intron 15 of the ADAM9 gene. It does not directly change the encoded amino acid sequence of the ADAM9 protein.